The following is an entry in ClinVar:

NM_020975.6(RET):c.3286T>C (p.Tyr1096His)

Gene: RET (ret proto-oncogene; plus strand). Cytogenetic location: 10q11.21.
Variant type: single nucleotide variant.
Coding change: c.3286T>C on transcript NM_020975.6 (MANE Select); coding-DNA position 3286, T replaced by C.
Protein change: p.Tyr1096His; replaces tyrosine 1096 with histidine.
Molecular consequence: missense variant. On other transcripts: 3 prime UTR variant (18), intron variant (3).
Genome position (GRCh38, 1-based): chr10:43,128,210, T>C. VCF-style: chr10-43128210-T-C. GRCh37 (hg19) VCF-style: chr10-43623658-T-C.
Other names: c.2998T>C, p.Tyr1000His (NM_001406767.1, NM_001406766.1); c.*1456T>C (NM_001406768.1, NM_001406770.1, NM_001406772.1 and 15 more transcripts); c.2890T>C, p.Tyr964His (NM_001406769.1); c.2848T>C, p.Tyr950His (NM_001406771.1); c.2560T>C, p.Tyr854His (NM_001406775.1); c.2500T>C, p.Tyr834His (NM_001406777.1); c.2389T>C, p.Tyr797His (NM_001406779.1, NM_001406780.1); c.3286T>C, p.Tyr1096His (NM_001406743.1); and 10 more; short protein forms Y1096H, Y950H, Y1000H, Y1076H, Y593H, Y754H, Y834H, Y854H.
Identifiers: ClinVar variation 3944694 (VCV003944694.1).

ClinVar aggregate classification (germline): Uncertain significance (1 of 4 stars; one submission).

Conditions:
Hereditary cancer-predisposing syndrome. Also called: Tumor predisposition; Hereditary neoplastic syndrome; Hereditary Cancer Syndrome; Neoplastic Syndromes, Hereditary. Identifiers: Orphanet 140162, MedGen C0027672, MeSH D009386, MONDO:0015356.

gnomAD v4.1: 2 of 1,614,184 alleles (0.00012%); highest among the groups gnomAD compares: South Asian, 0.0011%; no homozygotes.

Submission:

Ambry Genetics
Classification: Uncertain significance for Hereditary cancer-predisposing syndrome. Last evaluated: 2025-04-29. Review status: criteria provided, single submitter. Criteria: Ambry Variant Classification Scheme 2023. Collection method: clinical testing. Allele origin: germline.
Comment: The p.Y1096H variant (also known as c.3286T>C), located in coding exon 20 of the RET gene, results from a T to C substitution at nucleotide position 3286. The tyrosine at codon 1096 is replaced by histidine, an amino acid with similar properties. This amino acid position is conserved. In addition, the in silico prediction for this alteration is inconclusive. Based on the available evidence, the clinical significance of this variant remains unclear.